The following is an entry in ClinVar:

NM_182961.4(SYNE1):c.940-135A>G

Gene: SYNE1 (spectrin repeat containing nuclear envelope protein 1; minus strand). Cytogenetic location: 6q25.2.
Variant type: single nucleotide variant.
Coding change: c.940-135A>G on transcript NM_182961.4 (MANE Select); 135 bases into the intron before coding-DNA position 940, A replaced by G.
Molecular consequence: intron variant.
Genome position (GRCh38, 1-based): chr6:152,488,638, T>C on the plus strand (A>G on the coding strand, the complement: SYNE1 is on the minus strand). VCF-style: chr6-152488638-T-C. GRCh37 (hg19) VCF-style: chr6-152809773-T-C.
Other names: c.961-135A>G (NM_033071.5).
Identifiers: ClinVar variation 670585 (VCV000670585.1), dbSNP rs9371254, ClinGen allele CA12338530.
Genomic context (GRCh38, chr6:152,488,638, plus strand): 5'-TCTAGAAGAGACTTAATATTTAGTAAGTCCCAACTGTCTCTGAAAAATTTCCTTTCTCCT[T>C]ACCCCCACCTTTAGGACAGTAAGAAGCAAAAGTTAACTCTAGAAAAGTATCTTAGTTATC-3'

ClinVar aggregate classification (germline): Benign (1 of 4 stars; one submission).

Allele frequency attached by ClinVar (database versions not stated): gnomAD 0.53016 and 0.53187; TOPMed 0.54110; 1000 Genomes Project 0.61302; 1000 Genomes Project 30x 0.61337.
gnomAD v4.1: 282,902 of 590,134 alleles (48%); highest among the groups gnomAD compares: East Asian, 78%; 73,257 homozygotes.

Submission:

GeneDx
Classification: Benign. Last evaluated: 2018-06-14. Review status: criteria provided, single submitter. Criteria: GeneDx Variant Classification (06012015). Collection method: clinical testing. Allele origin: germline. Affected: yes.
Comment: This variant is considered likely benign or benign based on one or more of the following criteria: it is a conservative change, it occurs at a poorly conserved position in the protein, it is predicted to be benign by multiple in silico algorithms, and/or has population frequency not consistent with disease.